The following is an entry in ClinVar:

NM_003803.4(MYOM1):c.4466A>G (p.Lys1489Arg)

Gene: MYOM1 (myomesin 1; minus strand). Cytogenetic location: 18p11.31.
Variant type: single nucleotide variant.
Coding change: c.4466A>G on transcript NM_003803.4 (MANE Select); coding-DNA position 4466, A replaced by G.
Protein change: p.Lys1489Arg; replaces lysine 1489 with arginine.
Molecular consequence: missense variant.
Genome position (GRCh38, 1-based): chr18:3,083,807, T>C on the plus strand (A>G on the coding strand, the complement: MYOM1 is on the minus strand). VCF-style: chr18-3083807-T-C. GRCh37 (hg19) VCF-style: chr18-3083805-T-C.
Other names: c.4178A>G, p.Lys1393Arg (NM_019856.2); short protein forms K1393R, K1489R.
Identifiers: ClinVar variation 2083013 (VCV002083013.4), dbSNP rs2510485510, ClinGen allele CA401709483.

ClinVar aggregate classification (germline): Uncertain significance (1 of 4 stars; one submission).

Conditions:
Hypertrophic cardiomyopathy. Also called: HYPERTROPHIC MYOCARDIOPATHY. Identifiers: Orphanet 217569, MedGen C0007194, MeSH D002312, MONDO:0005045, HP:0001639.

Allele frequency attached by ClinVar (database versions not stated): gnomAD exomes below 0.00001.
gnomAD v4.1: 1 of 1,572,912 alleles (0.000064%); highest among the groups gnomAD compares: Non-Finnish European, 0.000086%; no homozygotes.

Submission:

Labcorp Genetics (formerly Invitae), Labcorp
Classification: Uncertain significance for Hypertrophic cardiomyopathy. Last evaluated: 2022-01-15. Review status: criteria provided, single submitter. Criteria: Invitae Variant Classification Sherloc (09022015). Collection method: clinical testing. Allele origin: germline.
Comment: This sequence change replaces lysine, which is basic and polar, with arginine, which is basic and polar, at codon 1489 of the MYOM1 protein (p.Lys1489Arg). In summary, the available evidence is currently insufficient to determine the role of this variant in disease. Therefore, it has been classified as a Variant of Uncertain Significance. Algorithms developed to predict the effect of missense changes on protein structure and function (SIFT, PolyPhen-2, Align-GVGD) all suggest that this variant is likely to be tolerated. This variant has not been reported in the literature in individuals affected with MYOM1-related conditions. This variant is not present in population databases (gnomAD no frequency).